The following is an entry in ClinVar:

NM_005431.2(XRCC2):c.580A>G (p.Thr194Ala)

Gene: XRCC2 (X-ray repair cross complementing 2; minus strand). Cytogenetic location: 7q36.1.
Variant type: single nucleotide variant.
Coding change: c.580A>G on transcript NM_005431.2 (MANE Select); coding-DNA position 580, A replaced by G.
Protein change: p.Thr194Ala; replaces threonine 194 with alanine.
Molecular consequence: missense variant.
Genome position (GRCh38, 1-based): chr7:152,648,905, T>C on the plus strand (A>G on the coding strand, the complement: XRCC2 is on the minus strand). VCF-style: chr7-152648905-T-C. GRCh37 (hg19) VCF-style: chr7-152345990-T-C.
Other names: p.T194A:ACG>GCG; short protein forms T194A.
Identifiers: ClinVar variation 127959 (VCV000127959.18), dbSNP rs180805457, ClinGen allele CA288139.

ClinVar aggregate classification (germline): Uncertain significance. Review status: criteria provided, multiple submitters, no conflicts (2 of 4 stars). 5 submissions from 5 submitters: Uncertain significance (4). 1 of the submissions does not count toward it. Last evaluated 2025-11-25.

Conditions:
XRCC2-related disorder. Also called: XRCC2-related condition.
Hereditary cancer-predisposing syndrome. Also called: Hereditary neoplastic syndrome; Neoplastic Syndromes, Hereditary; Hereditary Cancer Syndrome; Tumor predisposition. Identifiers: Orphanet 140162, MedGen C0027672, MeSH D009386, MONDO:0015356.

Allele frequency attached by ClinVar (database versions not stated): ExAC 0.00002; gnomAD exomes 0.00002; TOPMed 0.00004; gnomAD 0.00005; 1000 Genomes Project 30x 0.00016; 1000 Genomes Project 0.00020.

Submissions (5):

Labcorp Genetics (formerly Invitae), Labcorp
Classification: Uncertain significance. Last evaluated: 2025-11-25. Review status: criteria provided, single submitter. Criteria: Invitae Variant Classification Sherloc (09022015). Collection method: clinical testing. Allele origin: germline.
Comment: This sequence change replaces threonine, which is neutral and polar, with alanine, which is neutral and non-polar, at codon 194 of the XRCC2 protein (p.Thr194Ala). This variant is present in population databases (rs180805457, gnomAD 0.009%). This variant has not been reported in the literature in individuals affected with XRCC2-related conditions. ClinVar contains an entry for this variant (Variation ID: 127959). Invitae Evidence Modeling of protein sequence and biophysical properties (such as structural, functional, and spatial information, amino acid conservation, physicochemical variation, residue mobility, and thermodynamic stability) indicates that this missense variant is not expected to disrupt XRCC2 protein function with a negative predictive value of 80%. Algorithms developed to predict the effect of sequence changes on RNA splicing suggest that this variant may create or strengthen a splice site. In summary, the available evidence is currently insufficient to determine the role of this variant in disease. Therefore, it has been classified as a Variant of Uncertain Significance.

Quest Diagnostics Nichols Institute San Juan Capistrano
Classification: Uncertain significance. Last evaluated: 2025-05-21. Review status: criteria provided, single submitter. Criteria: Quest Diagnostics criteria. Collection method: clinical testing. Allele origin: unknown.
Comment: The XRCC2 c.580A>G (p.Thr194Ala) variant has been reported in the published literature in an individual with breast cancer as well as in reportedly unaffected individuals (PMID: 33471991 (2021), see also LOVD). The frequency of this variant in the general population (Genome Aggregation Database) is uninformative in the assessment of its pathogenicity. Analysis of this variant using bioinformatics tools for the prediction of the effect of amino acid changes on protein structure and function yielded conflicting predictions that this variant is benign or damaging. Additional analysis using software algorithms for the prediction of the effect of nucleotide changes on XRCC2 mRNA splicing yielded predictions that this variant may result in the gain of a cryptic splice site without affecting the natural splice sites. Based on the available information, we are unable to determine the clinical significance of this variant.

Ambry Genetics
Classification: Uncertain significance for Hereditary cancer-predisposing syndrome. Last evaluated: 2023-02-07. Review status: criteria provided, single submitter. Criteria: Ambry Variant Classification Scheme 2023. Collection method: clinical testing. Allele origin: germline.
Comment: The p.T194A variant (also known as c.580A>G), located in coding exon 3 of the XRCC2 gene, results from an A to G substitution at nucleotide position 580. The threonine at codon 194 is replaced by alanine, an amino acid with similar properties. This amino acid position is well conserved in available vertebrate species. In addition, this alteration is predicted to be tolerated by in silico analysis. Since supporting evidence is limited at this time, the clinical significance of this alteration remains unclear.

GeneDx
Classification: Uncertain significance. Last evaluated: 2016-11-14. Review status: criteria provided, single submitter. Criteria: GeneDx Variant Classification (06012015). Collection method: clinical testing. Allele origin: germline. Affected: yes.
Comment: This variant is denoted XRCC2 c.580A>G at the cDNA level, p.Thr194Ala (T194A) at the protein level, and results in the change of a Threonine to an Alanine (ACG>GCG). This variant has not, to our knowledge, been published in the literature as pathogenic or benign. XRCC2 Thr194Ala was not observed at a significant allele frequency in 1000 Genomes. Since Threonine and Alanine differ in polarity, charge, size or other properties, this is considered a non-conservative amino acid substitution. XRCC2 Thr194Ala occurs at a position where amino acids with properties similar to Threonine are tolerated across species and is not located in a known functional domain (O'Regan 2001, Miller 2004). Protein based in silico analyses predict that this variant is probably damaging to protein structure and function, and splicing models predict the creation of a strong cryptic splice acceptor site that is downstream of the natural acceptor site. However, in the absence of RNA or functional studies, the actual effect of this variant is unknown. Based on currently available information, it is unclear whether XRCC2 Thr194Ala is pathogenic or benign. We consider it to be a variant of uncertain significance.

PreventionGenetics, part of Exact Sciences
Classification: Uncertain significance for XRCC2-related condition. Last evaluated: 2024-08-21. Review status: no assertion criteria provided. Collection method: clinical testing. Allele origin: germline. Not counted in ClinVar's aggregate classification.
Comment: The XRCC2 c.580A>G variant is predicted to result in the amino acid substitution p.Thr194Ala. To our knowledge, this variant has not been reported in the literature. This variant is reported in 0.0087% of alleles in individuals of Latino descent in gnomAD, and is interpreted as a variant of uncertain significance in ClinVar. At this time, the clinical significance of this variant is uncertain due to the absence of conclusive functional and genetic evidence.

Literature cited by the submitters: PubMed 33471991 (cited by Quest Diagnostics Nichols Institute San Juan Capistrano).